The following is an entry in ClinVar:

NM_000124.4(ERCC6):c.2286+1G>A

Gene: ERCC6 (ERCC excision repair 6, chromatin remodeling factor; minus strand). Cytogenetic location: 10q11.23.
Variant type: single nucleotide variant.
Coding change: c.2286+1G>A on transcript NM_000124.4 (MANE Select); the canonical splice donor site of the intron after coding-DNA position 2286, G replaced by A.
Molecular consequence: splice donor variant.
Genome position (GRCh38, 1-based): chr10:49,478,353, C>T on the plus strand (G>A on the coding strand, the complement: ERCC6 is on the minus strand). VCF-style: chr10-49478353-C-T. GRCh37 (hg19) VCF-style: chr10-50686399-C-T.
Other names: c.2286+1G>A (NM_001346440.2).
Identifiers: ClinVar variation 550657 (VCV000550657.12), dbSNP rs1362935450, ClinGen allele CA376723376.

ClinVar aggregate classification (germline): Pathogenic/Likely pathogenic. Review status: criteria provided, multiple submitters, no conflicts (2 of 4 stars). 4 submissions from 4 submitters: Pathogenic (2); Likely pathogenic (1). 1 of the submissions does not count toward it. Last evaluated 2026-08-06.

Conditions:
UV-sensitive syndrome 1 (UVSS1). Identifiers: Orphanet 178338, MedGen C3551173, MONDO:0010909, OMIM 600630.
Premature ovarian failure 11 (POF11). Identifiers: MedGen C4310783, MONDO:0014843, OMIM 616946.
Age related macular degeneration 5. Identifiers: MedGen C3151063, MONDO:0013409, OMIM 613761.
Cockayne syndrome type 2 (CSB). Also called: Cockayne Syndrome, Type II; COCKAYNE SYNDROME B. Identifiers: Orphanet 191, Orphanet 90322, MedGen C0751038, MONDO:0019570, OMIM 133540.
Cerebrooculofacioskeletal syndrome 1 (COFS1). Also called: Cerebro-oculo-facio-skeletal syndrome 1. Identifiers: MedGen C0220722, MONDO:0008955, OMIM 214150.
Lung cancer. Also called: Malignant tumor of lung; Lung cancer, somatic. Identifiers: MedGen C0242379, MONDO:0008903, OMIM 211980.
DE SANCTIS-CACCHIONE SYNDROME. Identifiers: MedGen C0265201, MONDO:0010217, OMIM 278800.

Allele frequency attached by ClinVar (database versions not stated): gnomAD exomes below 0.00001; TOPMed 0.00001.
gnomAD v4.1: 2 of 1,584,498 alleles (0.00013%); highest among the groups gnomAD compares: Non-Finnish European, 0.00017%; no homozygotes.

Submissions (4):

OLLIN Analises Genomicas, OLLIN
Classification: Pathogenic for Age related macular degeneration 5. Last evaluated: 2026-08-06. Review status: criteria provided, single submitter. Criteria: ACMG Guidelines 2015 PMID 25741868. Collection method: clinical testing. Allele origin: germline.
Comment: This variant, located at the canonical splicing site (splice donor), has been reported in ClinVar (accession VCV000550657.11) and in gnomAD with an allele frequency of 0.00013%. However, to our knowledge, it has not been reported in the scientific literature. This variant is predicted to disrupt a canonical splice site, potentially leading to exon skipping, mRNA degradation via nonsense-mediated decay (NMD), or production of a truncated protein. Another pathogenic variant has been reported to result in the same amino acid substitution. According to the currently available evidence, this variant has been classified as pathogenic (PVS1, PS1_P, PM2_P).

Labcorp Genetics (formerly Invitae), Labcorp
Classification: Pathogenic. Last evaluated: 2025-04-09. Review status: criteria provided, single submitter. Criteria: Invitae Variant Classification Sherloc (09022015). Collection method: clinical testing. Allele origin: germline.
Comment: This sequence change affects a donor splice site in intron 11 of the ERCC6 gene. It is expected to disrupt RNA splicing. Variants that disrupt the donor or acceptor splice site typically lead to a loss of protein function (PMID: 16199547), and loss-of-function variants in ERCC6 are known to be pathogenic (PMID: 18628313, 29572252). This variant is not present in population databases (gnomAD no frequency). Disruption of this splice site has been observed in individuals with clinical features of Cockayne syndrome (PMID: 29572252; internal data). ClinVar contains an entry for this variant (Variation ID: 550657). Studies have shown that disruption of this splice site is associated with altered splicing resulting in unknown protein product impact (PMID: 29572252). For these reasons, this variant has been classified as Pathogenic.

Fulgent Genetics
Classification: Likely pathogenic for Cockayne syndrome type 2; Lung cancer; Cerebrooculofacioskeletal syndrome 1; DE SANCTIS-CACCHIONE SYNDROME; UV-sensitive syndrome 1; Age related macular degeneration 5; Premature ovarian failure 11. Last evaluated: 2024-04-23. Review status: criteria provided, single submitter. Criteria: ACMG Guidelines, 2015. Collection method: clinical testing. Allele origin: germline.

Counsyl
Classification: Likely pathogenic for Cockayne syndrome type 2; Cerebrooculofacioskeletal syndrome 1; DE SANCTIS-CACCHIONE SYNDROME. Last evaluated: 2017-02-07. Review status: no assertion criteria provided. Collection method: clinical testing. Allele origin: unknown. Not counted in ClinVar's aggregate classification.

Literature cited by the submitters: PubMed 16199547 (cited by Labcorp Genetics (formerly Invitae), Labcorp); PubMed 18628313 (cited by Labcorp Genetics (formerly Invitae), Labcorp); PubMed 29572252 (cited by Labcorp Genetics (formerly Invitae), Labcorp).